The following is an entry in ClinVar:

NM_173628.4(DNAH17):c.7901C>T (p.Ala2634Val)

Gene: DNAH17 (dynein axonemal heavy chain 17; minus strand). Cytogenetic location: 17q25.3.
Variant type: single nucleotide variant.
Coding change: c.7901C>T on transcript NM_173628.4 (MANE Select); coding-DNA position 7901, C replaced by T.
Protein change: p.Ala2634Val; replaces alanine 2634 with valine.
Molecular consequence: missense variant.
Genome position (GRCh38, 1-based): chr17:78,479,116, G>A on the plus strand (C>T on the coding strand, the complement: DNAH17 is on the minus strand). VCF-style: chr17-78479116-G-A. GRCh37 (hg19) VCF-style: chr17-76475198-G-A.
Other names: short protein forms A2634V.
Identifiers: ClinVar variation 3045382 (VCV003045382.3), dbSNP rs143375889, ClinGen allele CA8802085.
Genomic context (GRCh38, chr17:78,479,116, plus strand): 5'-AAGACATAATGAAACTTAATGGCCGTGGGAAGAAATGTTGCCGTGATTTTCTGATGCAAA[G>A]CTGTTAGAGGAAAAGGACGTGTCAATTCTCATGTACTCTTGATGGCCCCAGGAAGTGCAA-3'
Protein context (NP_775899.3, residues 2624-2644): ISSQLVAAAL[Ala2634Val]LHQKITATFL

ClinVar aggregate classification (germline): Uncertain significance. Review status: criteria provided, single submitter (1 of 4 stars). 2 submissions from 2 submitters: Uncertain significance (1). 1 of the submissions does not count toward it. Last evaluated 2025-08-02.

Conditions:
DNAH17-related disorder. Also called: DNAH17-related condition.
Inborn genetic diseases. Identifiers: MedGen C0950123, MeSH D030342.

Allele frequency attached by ClinVar (database versions not stated): ExAC 0.00090; gnomAD 0.00251; 1000 Genomes Project 30x 0.00297; 1000 Genomes Project 0.00300; ESP Exome Variant Server 0.00307.
gnomAD v4.1: 928 of 1,613,854 alleles (0.058%); highest among the groups gnomAD compares: African/African-American, 0.91%; 1 homozygote.

Submissions (2):

Ambry Genetics
Classification: Uncertain significance for Inborn genetic diseases. Last evaluated: 2025-08-02. Review status: criteria provided, single submitter. Criteria: Ambry Variant Classification Scheme 2023. Collection method: clinical testing. Allele origin: germline.

PreventionGenetics, part of Exact Sciences
Classification: Benign for DNAH17-related condition. Last evaluated: 2019-11-12. Review status: no assertion criteria provided. Collection method: clinical testing. Allele origin: germline. Not counted in ClinVar's aggregate classification.
Comment: This variant is classified as benign based on ACMG/AMP sequence variant interpretation guidelines (Richards et al. 2015 PMID: 25741868, with internal and published modifications).